The following is an entry in ClinVar:

NM_001166108.2(PALLD):c.1965-12534C>T

Gene: PALLD (palladin, cytoskeletal associated protein; plus strand). Cytogenetic location: 4q32.3.
Variant type: single nucleotide variant.
Coding change: c.1965-12534C>T on transcript NM_001166108.2 (MANE Select); 12534 bases into the intron before coding-DNA position 1965, C replaced by T.
Molecular consequence: intron variant. On other transcripts: missense variant (1).
Genome position (GRCh38, 1-based): chr4:168,878,388, C>T. VCF-style: chr4-168878388-C-T. GRCh37 (hg19) VCF-style: chr4-169799539-C-T.
Other names: c.497C>T, p.Thr166Ile (NM_001166110.2); c.1965-12534C>T (NM_016081.4); c.819-12534C>T (NM_001166109.2); c.-157-12534C>T (NM_001367570.1, NM_001367568.1, NM_001367567.1 and 1 more transcripts); short protein forms T166I.
Identifiers: ClinVar variation 3927542 (VCV003927542.1).

ClinVar aggregate classification (germline): Uncertain significance (1 of 4 stars; one submission).

gnomAD v4.1: 3 of 1,492,286 alleles (0.0002%); highest among the groups gnomAD compares: East Asian, 0.0026%; no homozygotes.

Submission:

Ambry Genetics
Classification: Uncertain significance. Last evaluated: 2025-04-28. Review status: criteria provided, single submitter. Criteria: Ambry Variant Classification Scheme 2023. Collection method: clinical testing. Allele origin: germline.
Comment: The p.T166I variant (also known as c.497C>T), located in coding exon 1 of the PALLD gene, results from a C to T substitution at nucleotide position 497. The threonine at codon 166 is replaced by isoleucine, an amino acid with similar properties. This amino acid position is conserved. In addition, this alteration is predicted to be tolerated by in silico analysis. Based on the available evidence, the clinical significance of this variant remains unclear.